The following is an entry in ClinVar:

ClinVar aggregate classification (germline): Uncertain significance (1 of 4 stars; one submission).

Allele frequency attached by ClinVar (database versions not stated): gnomAD exomes 0.00003.
gnomAD v4.1: 34 of 1,276,136 alleles (0.0027%); highest among the groups gnomAD compares: Non-Finnish European, 0.0033%; no homozygotes.

Submission:

Labcorp Genetics (formerly Invitae), Labcorp
Classification: Uncertain significance. Last evaluated: 2022-09-16. Review status: criteria provided, single submitter. Criteria: Invitae Variant Classification Sherloc (09022015). Collection method: clinical testing. Allele origin: germline.
Comment: This sequence change replaces glycine, which is neutral and non-polar, with arginine, which is basic and polar, at codon 28 of the KCNQ5 protein (p.Gly28Arg). In summary, the available evidence is currently insufficient to determine the role of this variant in disease. Therefore, it has been classified as a Variant of Uncertain Significance. Advanced modeling of protein sequence and biophysical properties (such as structural, functional, and spatial information, amino acid conservation, physicochemical variation, residue mobility, and thermodynamic stability) performed at Invitae indicates that this missense variant is not expected to disrupt KCNQ5 protein function. This variant has not been reported in the literature in individuals affected with KCNQ5-related conditions. This variant is not present in population databases (gnomAD no frequency).

NM_019842.4(KCNQ5):c.82G>C (p.Gly28Arg)

Genes: KCNQ5 (potassium voltage-gated channel subfamily Q member 5; plus strand), KCNQ5-DT (KCNQ5 divergent transcript; minus strand), LOC129996711 (ATAC-STARR-seq lymphoblastoid silent region 17329; plus strand). Cytogenetic location: 6q13.
Variant type: single nucleotide variant.
Coding change: c.82G>C on transcript NM_019842.4 (MANE Select); coding-DNA position 82, G replaced by C.
Protein change: p.Gly28Arg; replaces glycine 28 with arginine.
Molecular consequence: missense variant.
Genome position (GRCh38, 1-based): chr6:72,622,271, G>C. VCF-style: chr6-72622271-G-C. GRCh37 (hg19) VCF-style: chr6-73331999-G-C.
Other names: c.82G>C, p.Gly28Arg (NM_001160130.2, NM_001160132.2, NM_001160133.2 and 1 more transcripts); short protein forms G28R.
Identifiers: ClinVar variation 1719601 (VCV001719601.6), dbSNP rs2098915594, ClinGen allele CA364824115.